The following is an entry in ClinVar:

ClinVar aggregate classification (germline): Uncertain significance. Review status: criteria provided, multiple submitters, no conflicts (2 of 4 stars). 2 submissions from 2 submitters: Uncertain significance (2). Last evaluated 2024-11-26.

Conditions:
Long QT syndrome (LQTS). Identifiers: MedGen C0023976, MeSH D008133, MONDO:0002442. Disease mechanism: loss of function. Inheritance: Various modes of inheritance.

gnomAD v4.1: 1 of 1,602,360 alleles (0.000062%); highest among the groups gnomAD compares: South Asian, 0.0011%; no homozygotes.

Submissions (2):

Labcorp Genetics (formerly Invitae), Labcorp
Classification: Uncertain significance for Long QT syndrome. Last evaluated: 2024-11-26. Review status: criteria provided, single submitter. Criteria: Invitae Variant Classification Sherloc (09022015). Collection method: clinical testing. Allele origin: germline.
Comment: This sequence change replaces proline, which is neutral and non-polar, with arginine, which is basic and polar, at codon 963 of the KCNH2 protein (p.Pro963Arg). This variant is not present in population databases (gnomAD no frequency). This variant has not been reported in the literature in individuals affected with KCNH2-related conditions. An algorithm developed to predict the effect of missense changes on protein structure and function (PolyPhen-2) suggests that this variant is likely to be disruptive. In summary, the available evidence is currently insufficient to determine the role of this variant in disease. Therefore, it has been classified as a Variant of Uncertain Significance.

All of Us Research Program, National Institutes of Health
Classification: Uncertain significance for Long QT syndrome. Last evaluated: 2024-02-22. Review status: criteria provided, single submitter. Criteria: ACMG Guidelines, 2015. Collection method: clinical testing. Allele origin: germline. Inheritance: Autosomal dominant inheritance. Observed: 1 variant allele, 1 heterozygote.
Comment: This missense variant replaces proline with arginine at codon 963 of the KCNH2 protein. Computational prediction is inconclusive regarding the impact of this variant on protein structure and function (internally defined REVEL score threshold 0.5 < inconclusive < 0.7, PMID: 27666373). To our knowledge, functional studies have not been reported for this variant. This variant has not been reported in individuals affected with KCNH2-related disorders in the literature. This variant has not been identified in the general population by the Genome Aggregation Database (gnomAD). The available evidence is insufficient to determine the role of this variant in disease conclusively. Therefore, this variant is classified as a Variant of Uncertain Significance.

This study involves interpretation of variants in research participants for the purpose of population health screening. Participant phenotype was not available at the time of variant classification. Additional details can be found in publication PMID: 35346344, PMCID: PMC8962531

NM_000238.4(KCNH2):c.2888C>G (p.Pro963Arg)

Gene: KCNH2 (potassium voltage-gated channel subfamily H member 2; minus strand). Cytogenetic location: 7q36.1.
Variant type: single nucleotide variant.
Coding change: c.2888C>G on transcript NM_000238.4 (MANE Select); coding-DNA position 2888, C replaced by G.
Protein change: p.Pro963Arg; replaces proline 963 with arginine.
Molecular consequence: missense variant. On other transcripts: non-coding transcript variant (2).
Genome position (GRCh38, 1-based): chr7:150,947,683, G>C on the plus strand (C>G on the coding strand, the complement: KCNH2 is on the minus strand). VCF-style: chr7-150947683-G-C. GRCh37 (hg19) VCF-style: chr7-150644771-G-C.
Other names: c.2600C>G, p.Pro867Arg (NM_001406753.1); c.1868C>G, p.Pro623Arg (NM_172057.3); short protein forms P623R, P867R, P963R.
Identifiers: ClinVar variation 3386887 (VCV003386887.3).